The following is an entry in ClinVar:

ClinVar aggregate classification (germline): Uncertain significance. Review status: criteria provided, multiple submitters, no conflicts (2 of 4 stars). 2 submissions from 2 submitters: Uncertain significance (2). Last evaluated 2025-01-20.

Conditions:
Hereditary cancer-predisposing syndrome. Also called: Hereditary neoplastic syndrome; Tumor predisposition; Hereditary Cancer Syndrome; Neoplastic Syndromes, Hereditary. Identifiers: Orphanet 140162, MedGen C0027672, MeSH D009386, MONDO:0015356.
Retinoblastoma (RB1). Also called: RETINOBLASTOMA, SOMATIC. Identifiers: Orphanet 790, MedGen C0035335, MeSH D012175, MONDO:0008380, OMIM 180200, HP:0009919. Disease mechanism: loss of function. Inheritance: Both sporadic and heritable forms are tested..

gnomAD v4.1: 5 of 1,604,706 alleles (0.00031%); highest among the groups gnomAD compares: Non-Finnish European, 0.00043%; no homozygotes.

Submissions (2):

Labcorp Genetics (formerly Invitae), Labcorp
Classification: Uncertain significance for Retinoblastoma. Last evaluated: 2025-01-20. Review status: criteria provided, single submitter. Criteria: Invitae Variant Classification Sherloc (09022015). Collection method: clinical testing. Allele origin: germline.
Comment: This sequence change replaces aspartic acid, which is acidic and polar, with asparagine, which is neutral and polar, at codon 730 of the RB1 protein (p.Asp730Asn). This variant is not present in population databases (gnomAD no frequency). This variant has not been reported in the literature in individuals affected with RB1-related conditions. Invitae Evidence Modeling of protein sequence and biophysical properties (such as structural, functional, and spatial information, amino acid conservation, physicochemical variation, residue mobility, and thermodynamic stability) indicates that this missense variant is not expected to disrupt RB1 protein function with a negative predictive value of 80%. In summary, the available evidence is currently insufficient to determine the role of this variant in disease. Therefore, it has been classified as a Variant of Uncertain Significance.

Ambry Genetics
Classification: Uncertain significance for Hereditary cancer-predisposing syndrome. Last evaluated: 2025-01-17. Review status: criteria provided, single submitter. Criteria: Ambry Variant Classification Scheme 2023. Collection method: clinical testing. Allele origin: germline.
Comment: The p.D730N variant (also known as c.2188G>A), located in coding exon 21 of the RB1 gene, results from a G to A substitution at nucleotide position 2188. The aspartic acid at codon 730 is replaced by asparagine, an amino acid with highly similar properties. This amino acid position is conserved. In addition, this alteration is predicted to be tolerated by in silico analysis. Based on the available evidence, the clinical significance of this variant remains unclear.

NM_000321.3(RB1):c.2188G>A (p.Asp730Asn)

Gene: RB1 (RB transcriptional corepressor 1; plus strand). Cytogenetic location: 13q14.2.
Variant type: single nucleotide variant.
Coding change: c.2188G>A on transcript NM_000321.3 (MANE Select); coding-DNA position 2188, G replaced by A.
Protein change: p.Asp730Asn; replaces aspartic acid 730 with asparagine.
Molecular consequence: missense variant.
Genome position (GRCh38, 1-based): chr13:48,463,812, G>A. VCF-style: chr13-48463812-G-A. GRCh37 (hg19) VCF-style: chr13-49037948-G-A.
Other names: c.2188G>A, p.Asp730Asn (NM_001407165.1); short protein forms D730N.
Identifiers: ClinVar variation 3705974 (VCV003705974.3).